The following is an entry in ClinVar:

ClinVar aggregate classification (germline): Likely benign (1 of 4 stars; one submission).

Submission:

CeGaT Center for Human Genetics Tuebingen
Classification: Likely benign. Last evaluated: 2023-01-01. Review status: criteria provided, single submitter. Criteria: CeGaT Center For Human Genetics Tuebingen Variant Classification Criteria Version 2. Collection method: clinical testing. Allele origin: germline. Affected: yes. Observed: 1 variant allele.
Comment: THADA: PM2:Supporting, BP4, BP7

NM_022065.5(THADA):c.552T>C (p.His184=)

Gene: THADA (THADA armadillo repeat containing; minus strand). Cytogenetic location: 2p21.
Variant type: single nucleotide variant.
Coding change: c.552T>C on transcript NM_022065.5 (MANE Select); coding-DNA position 552, T replaced by C.
Protein change: p.His184=; no amino-acid change (histidine 184 retained).
Molecular consequence: synonymous variant. On other transcripts: non-coding transcript variant (2).
Genome position (GRCh38, 1-based): chr2:43,581,910, A>G on the plus strand (T>C on the coding strand, the complement: THADA is on the minus strand). VCF-style: chr2-43581910-A-G. GRCh37 (hg19) VCF-style: chr2-43809049-A-G.
Other names: c.552T>C, p.His184= (NM_001083953.2, NM_001271643.2, NM_001271644.2 and 3 more transcripts); c.-311T>C (NM_198554.1).
Identifiers: ClinVar variation 2650858 (VCV002650858.24), dbSNP rs2466327179, ClinGen allele CA425744843.